The following is an entry in ClinVar:

NM_001999.4(FBN2):c.-309A>G

Gene: FBN2 (fibrillin 2; minus strand). Cytogenetic location: 5q23.3.
Variant type: single nucleotide variant.
Coding change: c.-309A>G on transcript NM_001999.4 (MANE Select); 309 bases upstream of the start codon, A replaced by G.
Molecular consequence: 5 prime UTR variant.
Genome position (GRCh38, 1-based): chr5:128,537,912, T>C on the plus strand (A>G on the coding strand, the complement: FBN2 is on the minus strand). VCF-style: chr5-128537912-T-C. GRCh37 (hg19) VCF-style: chr5-127873605-T-C.
Identifiers: ClinVar variation 350798 (VCV000350798.5), dbSNP rs7732639, ClinGen allele CA10618992.

ClinVar aggregate classification (germline): Benign (1 of 4 stars; one submission).

Conditions:
Congenital contractural arachnodactyly (CCA). Also called: BEALS SYNDROME; Beals-Hecht syndrome; Arthrogryposis, distal, type 9. Identifiers: Orphanet 115, MedGen C0220668, MONDO:0007363, OMIM 121050.

Allele frequency attached by ClinVar (database versions not stated): gnomAD exomes 0.29404; 1000 Genomes Project 0.43750; gnomAD 0.44155 and 0.45240; 1000 Genomes Project 30x 0.44597; TOPMed 0.45443.
gnomAD v4.1: 148,646 of 427,928 alleles (35%); highest among the groups gnomAD compares: African/African-American, 81%; 32,656 homozygotes.

Submission:

Illumina Laboratory Services, Illumina
Classification: Benign for Congenital contractural arachnodactyly. Last evaluated: 2018-01-13. Review status: criteria provided, single submitter. Criteria: ICSL Variant Classification Criteria 13 December 2019. Collection method: clinical testing. Allele origin: germline.
Comment: This variant was observed in the ICSL laboratory as part of a predisposition screen in an ostensibly healthy population. It had not been previously curated by ICSL or reported in the Human Gene Mutation Database (HGMD: prior to June 1st, 2018), and was therefore a candidate for classification through an automated scoring system. Utilizing variant allele frequency, disease prevalence and penetrance estimates, and inheritance mode, an automated score was calculated to assess if this variant is too frequent to cause the disease. Based on the score and internal cut-off values, a variant classified as benign is not then subjected to further curation. The score for this variant resulted in a classification of benign for this disease.